The following is an entry in ClinVar:

ClinVar aggregate classification (germline): Uncertain significance (1 of 4 stars; one submission).

Conditions:
Epidermodysplasia verruciformis. Identifiers: Orphanet 302, MedGen C0014522, MONDO:0009176.

Allele frequency attached by ClinVar (database versions not stated): TOPMed below 0.00001; gnomAD exomes 0.00001 and 0.00002; ExAC 0.00002.
gnomAD v4.1: 12 of 1,600,228 alleles (0.00075%); highest among the groups gnomAD compares: Admixed American, 0.012%; no homozygotes.

Submission:

Labcorp Genetics (formerly Invitae), Labcorp
Classification: Uncertain significance for Epidermodysplasia verruciformis. Last evaluated: 2022-09-01. Review status: criteria provided, single submitter. Criteria: Invitae Variant Classification Sherloc (09022015). Collection method: clinical testing. Allele origin: germline.
Comment: This sequence change replaces serine, which is neutral and polar, with arginine, which is basic and polar, at codon 631 of the TMC6 protein (p.Ser631Arg). This variant is present in population databases (rs777551337, gnomAD 0.02%). This variant has not been reported in the literature in individuals affected with TMC6-related conditions. ClinVar contains an entry for this variant (Variation ID: 961972). Algorithms developed to predict the effect of missense changes on protein structure and function are either unavailable or do not agree on the potential impact of this missense change (SIFT: "Not Available"; PolyPhen-2: "Possibly Damaging"; Align-GVGD: "Not Available"). In summary, the available evidence is currently insufficient to determine the role of this variant in disease. Therefore, it has been classified as a Variant of Uncertain Significance.

NM_001127198.5(TMC6):c.1893C>A (p.Ser631Arg)

Gene: TMC6 (transmembrane channel like 6; minus strand). Cytogenetic location: 17q25.3.
Variant type: single nucleotide variant.
Coding change: c.1893C>A on transcript NM_001127198.5 (MANE Select); coding-DNA position 1893, C replaced by A.
Protein change: p.Ser631Arg; replaces serine 631 with arginine.
Molecular consequence: missense variant.
Genome position (GRCh38, 1-based): chr17:78,117,930, G>T on the plus strand (C>A on the coding strand, the complement: TMC6 is on the minus strand). VCF-style: chr17-78117930-G-T. GRCh37 (hg19) VCF-style: chr17-76114011-G-T.
Other names: c.1893C>A, p.Ser631Arg (NM_001321185.1, NM_001374596.1, NM_001375353.1 and 2 more transcripts); c.1713C>A, p.Ser571Arg (NM_001374593.1, NM_001374594.1); short protein forms S571R, S631R.
Identifiers: ClinVar variation 961972 (VCV000961972.9), dbSNP rs777551337, ClinGen allele CA8795504.